The following is an entry in ClinVar:

NM_144997.7(FLCN):c.1714C>G (p.Pro572Ala)

Gene: FLCN (folliculin; minus strand). Cytogenetic location: 17p11.2.
Variant type: single nucleotide variant.
Coding change: c.1714C>G on transcript NM_144997.7 (MANE Select); coding-DNA position 1714, C replaced by G.
Protein change: p.Pro572Ala; replaces proline 572 with alanine.
Molecular consequence: missense variant.
Genome position (GRCh38, 1-based): chr17:17,213,681, G>C on the plus strand (C>G on the coding strand, the complement: FLCN is on the minus strand). VCF-style: chr17-17213681-G-C. GRCh37 (hg19) VCF-style: chr17-17116995-G-C.
Other names: c.1714C>G (LRG_325t1); c.1768C>G, p.Pro590Ala (NM_001353229.2); c.1714C>G, p.Pro572Ala (NM_001353230.2, NM_001353231.2); short protein forms P572A, P590A.
Identifiers: ClinVar variation 460607 (VCV000460607.5), dbSNP rs1456319670, ClinGen allele CA398529796.
Genomic context (GRCh38, chr17:17,213,681, plus strand): 5'-CCATCCCTGTCTTTAGGCAGGTGTGTGTGACGGGTCAGTTCCGAGACTCCGAGGCTGTGG[G>C]GCTGCGGACCGTGGACATGAGGTGTGACTTGTAGGTCTTGCTCAGGCCAGTCATCCAGAA-3'
Protein context (NP_659434.2, residues 562-579): KSHLMSTVRS[Pro572Ala]TASESRN

ClinVar aggregate classification (germline): Uncertain significance (1 of 4 stars; one submission).

Conditions:
Birt-Hogg-Dube syndrome. Also called: Birt Hogg Dubé syndrome. Identifiers: Orphanet 122, MedGen C0346010, MONDO:0800444.

Submission:

Labcorp Genetics (formerly Invitae), Labcorp
Classification: Uncertain significance for Birt-Hogg-Dube syndrome. Last evaluated: 2021-11-15. Review status: criteria provided, single submitter. Criteria: Invitae Variant Classification Sherloc (09022015). Collection method: clinical testing. Allele origin: germline.
Comment: This variant has not been reported in the literature in individuals affected with FLCN-related conditions. ClinVar contains an entry for this variant (Variation ID: 460607). Algorithms developed to predict the effect of missense changes on protein structure and function are either unavailable or do not agree on the potential impact of this missense change (SIFT: "Tolerated"; PolyPhen-2: "Possibly Damaging"; Align-GVGD: "Class C0"). In summary, the available evidence is currently insufficient to determine the role of this variant in disease. Therefore, it has been classified as a Variant of Uncertain Significance. This variant is not present in population databases (gnomAD no frequency). This sequence change replaces proline, which is neutral and non-polar, with alanine, which is neutral and non-polar, at codon 572 of the FLCN protein (p.Pro572Ala).